The following is an entry in ClinVar:

ClinVar aggregate classification (germline): Benign/Likely benign. Review status: criteria provided, multiple submitters, no conflicts (2 of 4 stars). 12 submissions from 12 submitters: Benign (6); Likely benign (3). 3 of the submissions do not count toward it. Last evaluated 2026-01-27.

Conditions:
Cardiovascular phenotype. Identifiers: MedGen CN230736.
Long QT syndrome (LQTS). Identifiers: MedGen C0023976, MeSH D008133, MONDO:0002442. Disease mechanism: loss of function. Inheritance: Various modes of inheritance.

Allele frequency attached by ClinVar (database versions not stated): gnomAD exomes 0.00102; ExAC 0.00301.

Submissions (12):

Labcorp Genetics (formerly Invitae), Labcorp
Classification: Benign for Long QT syndrome. Last evaluated: 2026-01-27. Review status: criteria provided, single submitter. Criteria: Invitae Variant Classification Sherloc (09022015). Collection method: clinical testing. Allele origin: germline.

Blueprint Genetics
Classification: Likely benign. Last evaluated: 2024-11-25. Review status: criteria provided, single submitter. Criteria: ACMG Guidelines, 2015. Collection method: clinical testing. Allele origin: germline.

Mayo Clinic Laboratories, Mayo Clinic
Classification: Likely benign. Last evaluated: 2024-07-01. Review status: criteria provided, single submitter. Criteria: ACMG Guidelines, 2015. Collection method: clinical testing. Allele origin: germline. Observed: 120 variant alleles.
Comment: BS1, BP4

ARUP Laboratories, Molecular Genetics and Genomics, ARUP Laboratories
Classification: Likely benign. Last evaluated: 2023-11-22. Review status: criteria provided, single submitter. Criteria: ARUP Molecular Germline Variant Investigation Process 2024. Collection method: clinical testing. Allele origin: germline.

Women's Health and Genetics/Laboratory Corporation of America, LabCorp
Classification: Benign. Last evaluated: 2016-10-26. Review status: criteria provided, single submitter. Criteria: LabCorp Variant Classification Summary - May 2015. Collection method: clinical testing. Allele origin: germline.
Comment: Variant summary: The c.5609C>T (p.Thr1870Met) in CACNA1C gene is a missense change that involves a highly conserved nucleotide and 3/4 in silico tools predict deleterious outcome. The variant of interest is located outside of any known functional domain, although the functional impact of this missense change is yet to be studied. The variant is present in the large control population dataset of ExAC at a frequency 0.003 (359/119184 chrs tested, including 1 homozygote), which exceeds the maximal expected frequency of a pathogenic allele (0.00001) in this gene. The variant has been reported in multiple affected individuals as well as in numerous unaffected controls. Lastly, it has been reported as Benign by several reputable databases/clinical laboratories. Taken together, the variant was classified as Benign.

Ambry Genetics
Classification: Benign for Cardiovascular phenotype. Last evaluated: 2016-02-15. Review status: criteria provided, single submitter. Criteria: Ambry Variant Classification Scheme 2023. Collection method: clinical testing. Allele origin: germline.

GeneDx
Classification: Benign. Last evaluated: 2015-03-03. Review status: criteria provided, single submitter. Criteria: GeneDx Variant Classification Process June 2021. Collection method: clinical testing. Allele origin: germline. Affected: yes.
Comment: This variant is associated with the following publications: (PMID: 30403697, 27920829)

Biesecker Lab/Clinical Genomics Section, National Institutes of Health
Classification: Benign. Last evaluated: 2013-06-24. Review status: criteria provided, single submitter. Criteria: Ng et al. (Circ Cardiovasc Genet. 2013). Collection method: research. Allele origin: unknown. Observed: 27 variant alleles. Study: ClinSeq.
Comment: The study set was not selected for affection status in relation to any cancer. Pathogenicity categories were based on literature curation. See Pubmed ID:23861362 for details.

Medical sequencing

Breakthrough Genomics
Classification: Benign. Review status: criteria provided, single submitter. Criteria: ACMG Guidelines, 2015. Collection method: not provided. Allele origin: germline. Inheritance: Autosomal dominant inheritance. Affected: yes.

Clinical Genetics, Academic Medical Center
Classification: Benign. Review status: no assertion criteria provided. Collection method: clinical testing. Allele origin: germline. Affected: yes. Study: VKGL Data-share Consensus. Not counted in ClinVar's aggregate classification.

Diagnostic Laboratory, Department of Genetics, University Medical Center Groningen
Classification: Likely benign. Review status: no assertion criteria provided. Collection method: clinical testing. Allele origin: germline. Affected: yes. Study: VKGL Data-share Consensus. Not counted in ClinVar's aggregate classification.

Joint Genome Diagnostic Labs from Nijmegen and Maastricht, Radboudumc and MUMC+
Classification: Benign. Review status: no assertion criteria provided. Collection method: clinical testing. Allele origin: germline. Affected: yes. Study: VKGL Data-share Consensus. Not counted in ClinVar's aggregate classification.

Literature cited by the submitters: PubMed 27920829 (cited by Mayo Clinic Laboratories, Mayo Clinic); PubMed 30403697 (cited by Mayo Clinic Laboratories, Mayo Clinic); PubMed 23861362 (cited by Women's Health and Genetics/Laboratory Corporation of America, LabCorp); PubMed 26159999 (cited by Women's Health and Genetics/Laboratory Corporation of America, LabCorp); PubMed 26173111 (cited by Women's Health and Genetics/Laboratory Corporation of America, LabCorp); PubMed 27711072 (cited by Women's Health and Genetics/Laboratory Corporation of America, LabCorp); PubMed 25650408 (cited by Women's Health and Genetics/Laboratory Corporation of America, LabCorp); PubMed 25633834 (cited by Women's Health and Genetics/Laboratory Corporation of America, LabCorp).

NM_000719.7(CACNA1C):c.5609C>T (p.Thr1870Met)

Genes: CACNA1C-AS1 (CACNA1C antisense RNA 1; minus strand), CACNA1C (calcium voltage-gated channel subunit alpha1 C; plus strand). Cytogenetic location: 12p13.33.
Variant type: single nucleotide variant.
Coding change: c.5609C>T on transcript NM_000719.7 (MANE Select); coding-DNA position 5609, C replaced by T.
Protein change: p.Thr1870Met; replaces threonine 1870 with methionine.
Molecular consequence: missense variant.
Genome position (GRCh38, 1-based): chr12:2,685,771, C>T. VCF-style: chr12-2685771-C-T. GRCh37 (hg19) VCF-style: chr12-2794937-C-T.
Other names: p.Thr1870Met; c.5753C>T, p.Thr1918Met (NM_001129827.2); c.5732C>T, p.Thr1911Met (NM_001129829.2); c.5714C>T, p.Thr1905Met (NM_001129830.3, NM_001167624.3); c.5693C>T, p.Thr1898Met (NM_001129831.2); c.5669C>T, p.Thr1890Met (NM_001129832.2); c.5666C>T, p.Thr1889Met (NM_001129833.2, NM_001129834.2, NM_001129835.2); c.5660C>T, p.Thr1887Met (NM_001129836.2); and 7 more; short protein forms T1870M, T1905M, T1918M, T1889M, T1930M, T1867M, T1887M, T1898M.
Identifiers: ClinVar variation 191567 (VCV000191567.31), dbSNP rs201777030, ClinGen allele CA199932.